The following is an entry in ClinVar:

NM_201384.3(PLEC):c.6605A>G (p.Lys2202Arg)

Gene: PLEC (plectin; minus strand). Cytogenetic location: 8q24.3.
Variant type: single nucleotide variant.
Coding change: c.6605A>G on transcript NM_201384.3 (MANE Select); coding-DNA position 6605, A replaced by G.
Protein change: p.Lys2202Arg; replaces lysine 2202 with arginine.
Molecular consequence: missense variant.
Genome position (GRCh38, 1-based): chr8:143,923,324, T>C on the plus strand (A>G on the coding strand, the complement: PLEC is on the minus strand). VCF-style: chr8-143923324-T-C. GRCh37 (hg19) VCF-style: chr8-144997492-T-C.
Other names: c.6686A>G, p.Lys2229Arg (NM_000445.5); c.6563A>G, p.Lys2188Arg (NM_201378.4); c.6539A>G, p.Lys2180Arg (NM_201379.3); c.7016A>G, p.Lys2339Arg (NM_201380.4); c.6509A>G, p.Lys2170Arg (NM_201381.3); c.6605A>G, p.Lys2202Arg (NM_201382.4); c.6617A>G, p.Lys2206Arg (NM_201383.3); short protein forms K2180R, K2170R, K2188R, K2202R, K2206R, K2229R, K2339R.
Identifiers: ClinVar variation 281264 (VCV000281264.20), dbSNP rs201928401, ClinGen allele CA4925932.

ClinVar aggregate classification (germline): Conflicting classifications of pathogenicity. Review status: criteria provided, conflicting classifications (1 of 4 stars). 6 submissions from 6 submitters: Uncertain significance (5); Likely benign (1). Last evaluated 2026-04-22.

Conditions:
PLEC-related disorder. Also called: PLEC-related disorders; PLEC-related condition.
Inborn genetic diseases. Identifiers: MedGen C0950123, MeSH D030342.
Epidermolysis bullosa simplex with nail dystrophy (EBS5D). Identifiers: MedGen C4225309, MONDO:0014661, OMIM 616487.
Autosomal recessive limb-girdle muscular dystrophy type 2Q (LGMDR17). Also called: MUSCULAR DYSTROPHY, LIMB-GIRDLE, AUTOSOMAL RECESSIVE 17. Identifiers: Orphanet 254361, MedGen C3150989, MONDO:0013390, OMIM 613723.
Epidermolysis bullosa simplex 5C, with pyloric atresia (EBS5C). Also called: PLEC-Related Epidermolysis Bullosa with Pyloric Atresia; Epidermolysis bullosa simplex with pyloric atresia; PLEC1-Related Epidermolysis Bullosa with Pyloric Atresia. Identifiers: Orphanet 158684, MedGen C2677349, MONDO:0012807, OMIM 612138.
Epidermolysis bullosa simplex 5B, with muscular dystrophy (EBS5B). Also called: EPIDERMOLYSIS BULLOSA SIMPLEX AND LIMB-GIRDLE MUSCULAR DYSTROPHY; Epidermolysis bullosa simplex with muscular dystrophy. Identifiers: Orphanet 257, MedGen C2931072, MONDO:0009181, OMIM 226670.
Epidermolysis bullosa simplex, Ogna type (EBS5A). Also called: Pidermolysis bullosa simplex 5A, Ogna type; EPIDERMOLYSIS BULLOSA SIMPLEX 5A, OGNA TYPE. Identifiers: Orphanet 79401, MedGen C0432317, MONDO:0007555, OMIM 131950.

Allele frequency attached by ClinVar (database versions not stated): 1000 Genomes Project 30x 0.00016; ExAC 0.00016; gnomAD exomes 0.00018 and 0.00041; gnomAD 0.00019 and 0.00021; TOPMed 0.00019; 1000 Genomes Project 0.00020; ESP Exome Variant Server 0.00032.
gnomAD v4.1: 612 of 1,610,150 alleles (0.038%); highest among the groups gnomAD compares: Non-Finnish European, 0.051%; 1 homozygote.

Submissions (6):

PreventionGenetics, part of Exact Sciences
Classification: Uncertain significance for PLEC-related condition. Last evaluated: 2026-04-22. Review status: criteria provided, single submitter. Criteria: ACMG Guidelines, 2015. Collection method: clinical testing. Allele origin: germline.
Comment: The PLEC c.6686A>G variant is predicted to result in the amino acid substitution p.Lys2229Arg. To our knowledge, this variant has not been reported in the literature. This variant is reported in 0.042% of alleles in individuals of European (Non-Finnish) descent in gnomAD. Although we suspect that this variant may be benign, at this time, the clinical significance of this variant is uncertain due to the absence of conclusive functional and genetic evidence.

Labcorp Genetics (formerly Invitae), Labcorp
Classification: Uncertain significance for Autosomal recessive limb-girdle muscular dystrophy type 2Q; Epidermolysis bullosa simplex, Ogna type; Epidermolysis bullosa simplex with nail dystrophy; Epidermolysis bullosa simplex 5C, with pyloric atresia; Epidermolysis bullosa simplex 5B, with muscular dystrophy. Last evaluated: 2025-10-21. Review status: criteria provided, single submitter. Criteria: Invitae Variant Classification Sherloc (09022015). Collection method: clinical testing. Allele origin: germline.
Comment: This sequence change replaces lysine, which is basic and polar, with arginine, which is basic and polar, at codon 2229 of the PLEC protein (p.Lys2229Arg). This variant is present in population databases (rs201928401, gnomAD 0.04%). This variant has not been reported in the literature in individuals affected with PLEC-related conditions. ClinVar contains an entry for this variant (Variation ID: 281264). Invitae Evidence Modeling of protein sequence and biophysical properties (such as structural, functional, and spatial information, amino acid conservation, physicochemical variation, residue mobility, and thermodynamic stability) indicates that this missense variant is not expected to disrupt PLEC protein function with a negative predictive value of 80%. In summary, the available evidence is currently insufficient to determine the role of this variant in disease. Therefore, it has been classified as a Variant of Uncertain Significance.

Revvity Omics, Revvity
Classification: Uncertain significance. Last evaluated: 2023-10-17. Review status: criteria provided, single submitter. Criteria: ACMG Guidelines, 2015. Collection method: clinical testing. Allele origin: germline.

Ambry Genetics
Classification: Uncertain significance for Inborn genetic diseases. Last evaluated: 2021-07-06. Review status: criteria provided, single submitter. Criteria: Ambry Variant Classification Scheme 2023. Collection method: clinical testing. Allele origin: germline.

GeneDx
Classification: Likely benign. Last evaluated: 2019-10-10. Review status: criteria provided, single submitter. Criteria: GeneDx Variant Classification Process June 2021. Collection method: clinical testing. Allele origin: germline. Affected: yes.

Eurofins Ntd Llc (ga)
Classification: Uncertain significance. Last evaluated: 2018-08-10. Review status: criteria provided, single submitter. Criteria: EGL ClinVar v180209 classification definitions. Collection method: clinical testing. Allele origin: germline. Observed: 5 variant alleles, 5 heterozygotes.